The following is an entry in ClinVar:

NM_002972.4(SBF1):c.2905G>A (p.Val969Ile)

Gene: SBF1 (SET binding factor 1; minus strand). Cytogenetic location: 22q13.33.
Variant type: single nucleotide variant.
Coding change: c.2905G>A on transcript NM_002972.4 (MANE Select); coding-DNA position 2905, G replaced by A.
Protein change: p.Val969Ile; replaces valine 969 with isoleucine.
Molecular consequence: missense variant.
Genome position (GRCh38, 1-based): chr22:50,461,221, C>T on the plus strand (G>A on the coding strand, the complement: SBF1 is on the minus strand). VCF-style: chr22-50461221-C-T. GRCh37 (hg19) VCF-style: chr22-50899650-C-T.
Other names: c.2908G>A, p.Val970Ile (NM_001365819.1, NM_001410794.1); c.2905G>A, p.Val969Ile (NM_001410795.1, NM_197971.1); c.2905G>A (NM_002972.2); short protein forms V969I, V970I.
Identifiers: ClinVar variation 2061961 (VCV002061961.2), dbSNP rs543518148, ClinGen allele CA10316982.

ClinVar aggregate classification (germline): Uncertain significance. Review status: criteria provided, multiple submitters, no conflicts (2 of 4 stars). 2 submissions from 2 submitters: Uncertain significance (2). Last evaluated 2025-02-05.

Allele frequency attached by ClinVar (database versions not stated): 1000 Genomes Project 30x 0.00016; 1000 Genomes Project 0.00020; gnomAD 0.00003; TOPMed below 0.00001; ExAC 0.00001.

Submissions (2):

GeneDx
Classification: Uncertain significance. Last evaluated: 2025-02-05. Review status: criteria provided, single submitter. Criteria: GeneDx Variant Classification Process June 2021. Collection method: clinical testing. Allele origin: germline. Affected: yes.
Comment: Not observed at significant frequency in large population cohorts (gnomAD); In silico analysis indicates that this missense variant does not alter protein structure/function; Has not been previously published as pathogenic or benign to our knowledge

Labcorp Genetics (formerly Invitae), Labcorp
Classification: Uncertain significance. Last evaluated: 2022-07-20. Review status: criteria provided, single submitter. Criteria: Invitae Variant Classification Sherloc (09022015). Collection method: clinical testing. Allele origin: germline.
Comment: This sequence change replaces valine, which is neutral and non-polar, with isoleucine, which is neutral and non-polar, at codon 969 of the SBF1 protein (p.Val969Ile). This variant is present in population databases (rs543518148, gnomAD 0.0009%). This variant has not been reported in the literature in individuals affected with SBF1-related conditions. Algorithms developed to predict the effect of missense changes on protein structure and function output the following: SIFT: "Tolerated"; PolyPhen-2: "Benign"; Align-GVGD: "Class C0". The isoleucine amino acid residue is found in multiple mammalian species, which suggests that this missense change does not adversely affect protein function. In summary, the available evidence is currently insufficient to determine the role of this variant in disease. Therefore, it has been classified as a Variant of Uncertain Significance.